The following is an entry in ClinVar:

NM_022370.4(ROBO3):c.2663T>G (p.Leu888Arg)

Genes: ROBO3 (roundabout guidance receptor 3; plus strand), LOC130007006 (ATAC-STARR-seq lymphoblastoid silent region 4035; plus strand). Cytogenetic location: 11q24.2.
Variant type: single nucleotide variant.
Coding change: c.2663T>G on transcript NM_022370.4 (MANE Select); coding-DNA position 2663, T replaced by G.
Protein change: p.Leu888Arg; replaces leucine 888 with arginine.
Molecular consequence: missense variant. On other transcripts: 5 prime UTR variant (1), non-coding transcript variant (1).
Genome position (GRCh38, 1-based): chr11:124,876,344, T>G. VCF-style: chr11-124876344-T-G. GRCh37 (hg19) VCF-style: chr11-124746240-T-G.
Other names: c.-191T>G (NM_001370356.1); short protein forms L888R.
Identifiers: ClinVar variation 4293692 (VCV004293692.1).

ClinVar aggregate classification (germline): Uncertain significance (1 of 4 stars; one submission).

Conditions:
Gaze palsy, familial horizontal, with progressive scoliosis 1 (HGPPS1). Identifiers: Orphanet 2744, MedGen C4551964, MONDO:0020790, OMIM 607313.

Submission:

3billion
Classification: Uncertain significance for Gaze palsy, familial horizontal, with progressive scoliosis 1. Last evaluated: 2025-02-02. Review status: criteria provided, single submitter. Criteria: ACMG Guidelines, 2015. Collection method: clinical testing. Allele origin: germline. Affected: yes.
Comment: The variant is not observed in the gnomAD v4.1.0 dataset. Predicted Consequence/Location: Missense variant Damaging effect on gene or gene product predicted by in silico programs is uncertain [REVEL: 0.43 (damaging >=0.6, benign <0.4), 3Cnet: 0.00 (damaging >=0.6, benign <0.15)]. A different missense change at the same codon (p.Leu888Pro) has been reported to be associated with ROBO3-related disorder (ClinVar ID: VCV000996103 /PMID: 24969490). However the evidence of pathogenicity is insufficient at this time. Therefore, this variant is classified as VUS according to the recommendation of ACMG/AMP guideline.

Literature cited by the submitters: PubMed 24969490.